The following is an entry in ClinVar:

ClinVar aggregate classification (germline): Pathogenic (1 of 4 stars; one submission).

Conditions:
Fanconi anemia complementation group C (FANCC). Also called: FANCONI PANCYTOPENIA, TYPE 3; FACC; Fanconi anemia, group C; FANCC-Related Fanconi Anemia. Identifiers: Orphanet 84, MedGen C3468041, MONDO:0009213, OMIM 227645.

Submission:

Myriad Genetics, Inc.
Classification: Pathogenic for Fanconi anemia complementation group C. Last evaluated: 2023-09-19. Review status: criteria provided, single submitter. Criteria: Myriad Autosomal Dominant, Autosomal Recessive and X-Linked Classification Criteria (2023). Collection method: clinical testing. Allele origin: unknown.
Comment: NM_000136.2(FANCC):c.752_753del2ins13(E251Vfs*2) is expected to be pathogenic in the context of Fanconi anemia, FANCC-related. This variant is predicted to lead to an abnormal or absent protein product due to the creation of a premature termination codon in FANCC, a gene where loss-of-function variants are known to be pathogenic. Please note: this variant was assessed in the context of healthy population screening.

NM_000136.3(FANCC):c.752_753delinsTATAAGAGACAGT (p.Glu251delinsValTer)

Genes: AOPEP (aminopeptidase O (putative); plus strand), FANCC (FA complementation group C; minus strand). Cytogenetic location: 9q22.32.
Variant type: Indel.
Coding change: c.752_753delinsTATAAGAGACAGT on transcript NM_000136.3 (MANE Select); coding-DNA positions 752 to 753, AA replaced by TATAAGAGACAGT.
Protein change: p.Glu251delinsValTer.
Molecular consequence: nonsense.
Genome position (GRCh38, 1-based): chr9:95,135,436-95,135,437, TT replaced by ACTGTCTCTTATA on the plus strand (AA replaced by TATAAGAGACAGT on the coding strand, the reverse complement: FANCC is on the minus strand). VCF-style: chr9-95135436-TT-ACTGTCTCTTATA. GRCh37 (hg19) VCF-style: chr9-97897718-TT-ACTGTCTCTTATA.
Other names: c.752_753delinsTATAAGAGACAGT, p.Glu251delinsValTer (NM_001243743.2, NM_001243744.2).
Identifiers: ClinVar variation 5011694 (VCV005011694.1).